The following is an entry in ClinVar:

NM_002691.4(POLD1):c.31C>T (p.Pro11Ser)

Gene: POLD1 (DNA polymerase delta 1, catalytic subunit; plus strand). Cytogenetic location: 19q13.33.
Variant type: single nucleotide variant.
Coding change: c.31C>T on transcript NM_002691.4 (MANE Select); coding-DNA position 31, C replaced by T.
Protein change: p.Pro11Ser; replaces proline 11 with serine.
Molecular consequence: missense variant. On other transcripts: non-coding transcript variant (1).
Genome position (GRCh38, 1-based): chr19:50,398,882, C>T. VCF-style: chr19-50398882-C-T. GRCh37 (hg19) VCF-style: chr19-50902139-C-T.
Other names: c.31C>T, p.Pro11Ser (NM_001256849.1, NM_001308632.1); short protein forms P11S.
Identifiers: ClinVar variation 1450338 (VCV001450338.5), dbSNP rs2122194108, ClinGen allele CA406970010.

ClinVar aggregate classification (germline): Uncertain significance (1 of 4 stars; one submission).

Conditions:
POLD1-related polyposis and colorectal cancer syndrome (CRCS10). Also called: Colorectal cancer 10; COLORECTAL CANCER, SUSCEPTIBILITY TO, ON CHROMOSOME 19q; Colorectal cancer, susceptibility to, 10. Identifiers: Orphanet 220460, MedGen C2675481, MONDO:0012953, OMIM 612591.

Submission:

Labcorp Genetics (formerly Invitae), Labcorp
Classification: Uncertain significance for POLD1-related polyposis and colorectal cancer syndrome. Last evaluated: 2024-04-22. Review status: criteria provided, single submitter. Criteria: Invitae Variant Classification Sherloc (09022015). Collection method: clinical testing. Allele origin: germline.
Comment: This sequence change replaces proline, which is neutral and non-polar, with serine, which is neutral and polar, at codon 11 of the POLD1 protein (p.Pro11Ser). This variant is not present in population databases (gnomAD no frequency). This variant has not been reported in the literature in individuals affected with POLD1-related conditions. ClinVar contains an entry for this variant (Variation ID: 1450338). Algorithms developed to predict the effect of missense changes on protein structure and function output the following: SIFT: "Not Available"; PolyPhen-2: "Not Available"; Align-GVGD: "Not Available". The serine amino acid residue is found in multiple mammalian species, which suggests that this missense change does not adversely affect protein function. In summary, the available evidence is currently insufficient to determine the role of this variant in disease. Therefore, it has been classified as a Variant of Uncertain Significance.